The following is an entry in ClinVar:

ClinVar aggregate classification (germline): Uncertain significance (1 of 4 stars; one submission).

Conditions:
Hereditary cancer-predisposing syndrome. Also called: Neoplastic Syndromes, Hereditary; Hereditary Cancer Syndrome; Hereditary neoplastic syndrome; Tumor predisposition. Identifiers: Orphanet 140162, MedGen C0027672, MeSH D009386, MONDO:0015356.

Allele frequency attached by ClinVar (database versions not stated): gnomAD exomes below 0.00001; TOPMed below 0.00001; gnomAD 0.00001.

Submission:

Ambry Genetics
Classification: Uncertain significance for Hereditary cancer-predisposing syndrome. Last evaluated: 2023-05-04. Review status: criteria provided, single submitter. Criteria: Ambry Variant Classification Scheme 2023. Collection method: clinical testing. Allele origin: germline.
Comment: The p.Y2235N variant (also known as c.6703T>A), located in coding exon 48 of the POLE gene, results from a T to A substitution at nucleotide position 6703. The tyrosine at codon 2235 is replaced by asparagine, an amino acid with dissimilar properties. This amino acid position is conserved. In addition, this alteration is predicted to be tolerated by in silico analysis. Since supporting evidence is limited at this time, the clinical significance of this alteration remains unclear.

NM_006231.4(POLE):c.6703T>A (p.Tyr2235Asn)

Gene: POLE (DNA polymerase epsilon, catalytic subunit; minus strand). Cytogenetic location: 12q24.33.
Variant type: single nucleotide variant.
Coding change: c.6703T>A on transcript NM_006231.4 (MANE Select); coding-DNA position 6703, T replaced by A.
Protein change: p.Tyr2235Asn; replaces tyrosine 2235 with asparagine.
Molecular consequence: missense variant.
Genome position (GRCh38, 1-based): chr12:132,624,949, A>T on the plus strand (T>A on the coding strand, the complement: POLE is on the minus strand). VCF-style: chr12-132624949-A-T. GRCh37 (hg19) VCF-style: chr12-133201535-A-T.
Other names: short protein forms Y2235N.
Identifiers: ClinVar variation 2562930 (VCV002562930.2), dbSNP rs1453627626, ClinGen allele CA387366137.
Genomic context (GRCh38, chr12:132,624,949, plus strand): 5'-ATGAGGGAGAGCCCACCTGGGTGTGGATGGTGAGGGCGAAGTCTCCCGCGCAGCTGCAGT[A>T]CACAGGCATGCTGGTCTCCTTCACCCCGCGGCACTTCAGGCAGACCTGAAAGGGAGCAGC-3'
Protein context (NP_006222.2, residues 2225-2245): RGVKETSMPV[Tyr2235Asn]CSCAGDFALT